The following is an entry in ClinVar:

ClinVar aggregate classification (germline): Benign. Review status: criteria provided, multiple submitters, no conflicts (2 of 4 stars). 3 submissions from 3 submitters: Benign (3). Last evaluated 2023-11-12.

Allele frequency attached by ClinVar (database versions not stated): 1000 Genomes Project 0.18730; 1000 Genomes Project 30x 0.19254; gnomAD exomes 0.19731; gnomAD 0.21602 and 0.21975; TOPMed 0.22028.
gnomAD v4.1: 292,775 of 1,468,294 alleles (20%); highest among the groups gnomAD compares: African/African-American, 31%; 31,307 homozygotes.

Submissions (3):

Unidad de Genómica Garrahan, Hospital de Pediatría Garrahan
Classification: Benign. Last evaluated: 2023-11-12. Review status: criteria provided, single submitter. Criteria: ACMG Guidelines, 2015. Collection method: clinical testing. Allele origin: germline. Affected: no. Observed: 20 variant alleles.
Comment: This variant is classified as Benign based on local population frequency. This variant was detected in 21% of patients studied by a panel of primary immunodeficiencies. Number of patients: 20. Only high quality variants are reported.

GeneDx
Classification: Benign. Last evaluated: 2021-06-19. Review status: criteria provided, single submitter. Criteria: GeneDx Variant Classification Process June 2021. Collection method: clinical testing. Allele origin: germline. Affected: yes.

Breakthrough Genomics
Classification: Benign. Review status: criteria provided, single submitter. Criteria: ACMG Guidelines, 2015. Collection method: not provided. Allele origin: germline. Inheritance: Autosomal dominant inheritance. Affected: yes.

NM_003998.4(NFKB1):c.2592+58T>A

Gene: NFKB1 (nuclear factor kappa B subunit 1; plus strand). Cytogenetic location: 4q24.
Variant type: single nucleotide variant.
Coding change: c.2592+58T>A on transcript NM_003998.4 (MANE Select); 58 bases into the intron after coding-DNA position 2592, T replaced by A.
Molecular consequence: intron variant.
Genome position (GRCh38, 1-based): chr4:102,612,664, T>A. VCF-style: chr4-102612664-T-A. GRCh37 (hg19) VCF-style: chr4-103533821-T-A.
Other names: c.2592+58T>A (NM_001382626.1, NM_001382625.1); c.2589+58T>A (NM_001382627.1, NM_001165412.2, NM_001319226.2); c.2550+58T>A (NM_001382628.1).
Identifiers: ClinVar variation 1256826 (VCV001256826.5), dbSNP rs4648110, ClinGen allele CA15305160.